The following is an entry in ClinVar:

NM_004168.4(SDHA):c.506A>T (p.Tyr169Phe)

Gene: SDHA (succinate dehydrogenase complex flavoprotein subunit A; plus strand). Cytogenetic location: 5p15.33.
Variant type: single nucleotide variant.
Coding change: c.506A>T on transcript NM_004168.4 (MANE Select); coding-DNA position 506, A replaced by T.
Protein change: p.Tyr169Phe; replaces tyrosine 169 with phenylalanine.
Molecular consequence: missense variant.
Genome position (GRCh38, 1-based): chr5:225,932, A>T. VCF-style: chr5-225932-A-T. GRCh37 (hg19) VCF-style: chr5-226047-A-T.
Other names: c.362A>T, p.Tyr121Phe (NM_001294332.2); c.506A>T, p.Tyr169Phe (NM_001330758.2); short protein forms Y121F, Y169F.
Identifiers: ClinVar variation 2932560 (VCV002932560.3), dbSNP rs1464540890, ClinGen allele CA359010091.

ClinVar aggregate classification (germline): Uncertain significance (1 of 4 stars; one submission).

Conditions:
Mitochondrial complex II deficiency, nuclear type 1. Also called: SUCCINATE CoQ REDUCTASE DEFICIENCY. Identifiers: Orphanet 3208, MedGen C5700310, MONDO:0100294, OMIM 252011.
Pheochromocytoma/paraganglioma syndrome 5. Also called: Paragangliomas 5; SDHA-Related Hereditary Paraganglioma-Pheochromocytoma Syndrome. Identifiers: Orphanet 29072, MedGen C3279992, MONDO:0013602, OMIM 614165.

Submission:

Labcorp Genetics (formerly Invitae), Labcorp
Classification: Uncertain significance for Pheochromocytoma/paraganglioma syndrome 5; Mitochondrial complex II deficiency, nuclear type 1. Last evaluated: 2023-10-14. Review status: criteria provided, single submitter. Criteria: Invitae Variant Classification Sherloc (09022015). Collection method: clinical testing. Allele origin: germline.
Comment: This sequence change replaces tyrosine, which is neutral and polar, with phenylalanine, which is neutral and non-polar, at codon 169 of the SDHA protein (p.Tyr169Phe). This variant is not present in population databases (gnomAD no frequency). This variant has not been reported in the literature in individuals affected with SDHA-related conditions. Advanced modeling of protein sequence and biophysical properties (such as structural, functional, and spatial information, amino acid conservation, physicochemical variation, residue mobility, and thermodynamic stability) has been performed at Invitae for this missense variant, however the output from this modeling did not meet the statistical confidence thresholds required to predict the impact of this variant on SDHA protein function. In summary, the available evidence is currently insufficient to determine the role of this variant in disease. Therefore, it has been classified as a Variant of Uncertain Significance.